The following is an entry in ClinVar:

ClinVar aggregate classification (germline): Pathogenic (1 of 4 stars; one submission).

Conditions:
Primary ciliary dyskinesia 3. Identifiers: Orphanet 244, MedGen C1837618, MONDO:0012085, OMIM 608644.

Submission:

Myriad Genetics, Inc.
Classification: Pathogenic for Primary ciliary dyskinesia 3. Last evaluated: 2024-07-05. Review status: criteria provided, single submitter. Criteria: Myriad Autosomal Dominant, Autosomal Recessive and X-Linked Classification Criteria (2023). Collection method: clinical testing. Allele origin: unknown.
Comment: NM_001369.2(DNAH5):c.4832G>A(W1611*) is expected to be pathogenic in the context of primary ciliary dyskinesia, DNAH5-related. This variant is predicted to lead to an abnormal or absent protein product due to the creation of a premature termination codon in DNAH5, a gene where loss-of-function variants are known to be pathogenic. Please note: this variant was assessed in the context of healthy population screening.

NM_001369.3(DNAH5):c.4832G>A (p.Trp1611Ter)

Genes: DNAH5 (dynein axonemal heavy chain 5; minus strand), LOC126807318 (MED14-independent group 3 enhancer GRCh37_chr5:13858976-13860175; plus strand). Cytogenetic location: 5p15.2.
Variant type: single nucleotide variant.
Coding change: c.4832G>A on transcript NM_001369.3 (MANE Select); coding-DNA position 4832, G replaced by A.
Protein change: p.Trp1611Ter; replaces tryptophan 1611 with a stop codon.
Molecular consequence: nonsense.
Genome position (GRCh38, 1-based): chr5:13,859,570, C>T on the plus strand (G>A on the coding strand, the complement: DNAH5 is on the minus strand). VCF-style: chr5-13859570-C-T. GRCh37 (hg19) VCF-style: chr5-13859679-C-T.
Other names: short protein forms W1611*.
Identifiers: ClinVar variation 5013287 (VCV005013287.1).